The following is an entry in ClinVar:

ClinVar aggregate classification (germline): Uncertain significance. Review status: criteria provided, multiple submitters, no conflicts (2 of 4 stars). 2 submissions from 2 submitters: Uncertain significance (2). Last evaluated 2024-08-01.

Conditions:
Developmental and epileptic encephalopathy, 9 (DEE9). Also called: Early infantile epileptic encephalopathy 9; EPILEPSY, FEMALE-RESTRICTED, WITH MENTAL RETARDATION; JUBERG-HELLMAN SYNDROME; PCDH19-Related X-Linked Female-Limited Epilepsy with Mental Retardation. Identifiers: Orphanet 101039, Orphanet 2076, MedGen C1848137, MONDO:0010246, OMIM 300088. Disease mechanism: loss of function.

Submissions (2):

GeneDx
Classification: Uncertain significance. Last evaluated: 2024-08-01. Review status: criteria provided, single submitter. Criteria: GeneDx Variant Classification Process June 2021. Collection method: clinical testing. Allele origin: germline.
Comment: Not observed at significant frequency in large population cohorts (gnomAD); In silico analysis supports that this missense variant has a deleterious effect on protein structure/function; Has not been previously published as pathogenic or benign to our knowledge

Labcorp Genetics (formerly Invitae), Labcorp
Classification: Uncertain significance for Developmental and epileptic encephalopathy, 9. Last evaluated: 2022-07-26. Review status: criteria provided, single submitter. Criteria: Invitae Variant Classification Sherloc (09022015). Collection method: clinical testing. Allele origin: germline.
Comment: This sequence change replaces leucine, which is neutral and non-polar, with glutamine, which is neutral and polar, at codon 411 of the PCDH19 protein (p.Leu411Gln). This variant is not present in population databases (gnomAD no frequency). This variant has not been reported in the literature in individuals affected with PCDH19-related conditions. Advanced modeling of protein sequence and biophysical properties (such as structural, functional, and spatial information, amino acid conservation, physicochemical variation, residue mobility, and thermodynamic stability) performed at Invitae indicates that this missense variant is expected to disrupt PCDH19 protein function. In summary, the available evidence is currently insufficient to determine the role of this variant in disease. Therefore, it has been classified as a Variant of Uncertain Significance.

NM_001184880.2(PCDH19):c.1232T>A (p.Leu411Gln)

Gene: PCDH19 (protocadherin 19; minus strand). Cytogenetic location: Xq22.1.
Variant type: single nucleotide variant.
Coding change: c.1232T>A on transcript NM_001184880.2 (MANE Select); coding-DNA position 1232, T replaced by A.
Protein change: p.Leu411Gln; replaces leucine 411 with glutamine.
Molecular consequence: missense variant.
Genome position (GRCh38, 1-based): chrX:100,407,366, A>T on the plus strand (T>A on the coding strand, the complement: PCDH19 is on the minus strand). VCF-style: chrX-100407366-A-T. GRCh37 (hg19) VCF-style: chrX-99662364-A-T.
Other names: c.1232T>A (NM_001184880.1); c.1232T>A, p.Leu411Gln (NM_001105243.2, NM_020766.3); short protein forms L411Q.
Identifiers: ClinVar variation 2074036 (VCV002074036.6), dbSNP rs2520984562, ClinGen allele CA414003541.
Genomic context (GRCh38, chrX:100,407,366, plus strand): 5'-GGCACGCCGCCGTCGCGTGCCTGAATTGTGAGGTTGTATTGGTCGTGCTGCTCGCGGTCC[A>T]GCCGTCCGTCCACCAGAATAGTGGAGAAGCTCTCATATTCCTGCAGTCGAAAGGGCACAT-3'
Protein context (NP_001171809.1, residues 401-421): SFSTILVDGR[Leu411Gln]DREQHDQYNL